The following is an entry in ClinVar:

ClinVar aggregate classification (germline): Uncertain significance (1 of 4 stars; one submission).

Conditions:
Tuberous sclerosis 2 (TSC2). Identifiers: Orphanet 805, MedGen C1860707, MONDO:0013199, OMIM 613254.

Submission:

Labcorp Genetics (formerly Invitae), Labcorp
Classification: Uncertain significance for Tuberous sclerosis 2. Last evaluated: 2023-04-07. Review status: criteria provided, single submitter. Criteria: Invitae Variant Classification Sherloc (09022015). Collection method: clinical testing. Allele origin: germline.
Comment: Advanced modeling of protein sequence and biophysical properties (such as structural, functional, and spatial information, amino acid conservation, physicochemical variation, residue mobility, and thermodynamic stability) performed at Invitae indicates that this missense variant is not expected to disrupt TSC2 protein function. ClinVar contains an entry for this variant (Variation ID: 468018). This variant has not been reported in the literature in individuals affected with TSC2-related conditions. This variant is not present in population databases (gnomAD no frequency). This sequence change replaces lysine, which is basic and polar, with asparagine, which is neutral and polar, at codon 1165 of the TSC2 protein (p.Lys1165Asn). In summary, the available evidence is currently insufficient to determine the role of this variant in disease. Therefore, it has been classified as a Variant of Uncertain Significance.

NM_000548.5(TSC2):c.3495A>T (p.Lys1165Asn)

Gene: TSC2 (TSC complex subunit 2; plus strand). Cytogenetic location: 16p13.3.
Variant type: single nucleotide variant.
Coding change: c.3495A>T on transcript NM_000548.5 (MANE Select); coding-DNA position 3495, A replaced by T.
Protein change: p.Lys1165Asn; replaces lysine 1165 with asparagine.
Molecular consequence: missense variant.
Genome position (GRCh38, 1-based): chr16:2,080,262, A>T. VCF-style: chr16-2080262-A-T. GRCh37 (hg19) VCF-style: chr16-2130263-A-T.
Other names: c.3363A>T, p.Lys1121Asn (NM_001077183.3, NM_001370404.1); c.3495A>T, p.Lys1165Asn (NM_001114382.3); c.3255A>T, p.Lys1085Asn (NM_001318827.2); c.3219A>T, p.Lys1073Asn (NM_001318829.2); c.2763A>T, p.Lys921Asn (NM_001318831.2); c.3396A>T, p.Lys1132Asn (NM_001318832.2); c.3366A>T, p.Lys1122Asn (NM_001363528.2, NM_001370405.1, NM_021055.3); short protein forms K1165N, K1073N, K921N, K1085N, K1121N, K1122N, K1132N.
Identifiers: ClinVar variation 468018 (VCV000468018.9), dbSNP rs1555511443, ClinGen allele CA394289117.